The following is an entry in ClinVar:

NM_001081550.2(THOC2):c.3357C>G (p.His1119Gln)

Gene: THOC2 (THO complex subunit 2; minus strand). Cytogenetic location: Xq25.
Variant type: single nucleotide variant.
Coding change: c.3357C>G on transcript NM_001081550.2 (MANE Select); coding-DNA position 3357, C replaced by G.
Protein change: p.His1119Gln; replaces histidine 1119 with glutamine.
Molecular consequence: missense variant.
Genome position (GRCh38, 1-based): chrX:123,623,933, G>C on the plus strand (C>G on the coding strand, the complement: THOC2 is on the minus strand). VCF-style: chrX-123623933-G-C. GRCh37 (hg19) VCF-style: chrX-122757784-G-C.
Other names: short protein forms H1119Q.
Identifiers: ClinVar variation 3774064 (VCV003774064.1).

ClinVar aggregate classification (germline): Uncertain significance (1 of 4 stars; one submission).

Submission:

GeneDx
Classification: Uncertain significance. Last evaluated: 2024-09-18. Review status: criteria provided, single submitter. Criteria: GeneDx Variant Classification Process June 2021. Collection method: clinical testing. Allele origin: germline. Affected: yes.
Comment: Not observed at significant frequency in large population cohorts (gnomAD); In silico analysis indicates that this missense variant does not alter protein structure/function; Has not been previously published as pathogenic or benign to our knowledge